The following is an entry in ClinVar:

ClinVar aggregate classification (germline): Uncertain significance. Review status: criteria provided, multiple submitters, no conflicts (2 of 4 stars). 9 submissions from 9 submitters: Uncertain significance (7). 2 of the submissions do not count toward it. Last evaluated 2025-09-29.

Conditions:
MKS1-related disorder. Also called: MKS1-related disorders; MKS1-related condition. Identifiers: MedGen CN239382.
Bardet-Biedl syndrome 13 (BBS13). Identifiers: Orphanet 110, MedGen C2673873, MONDO:0014441, OMIM 615990.
Joubert syndrome 28 (JBTS28). Identifiers: MedGen C4310705, MONDO:0014928, OMIM 617121.
Meckel syndrome, type 1 (MKS1). Also called: MECKEL-GRUBER SYNDROME, TYPE 1. Identifiers: Orphanet 564, MedGen C3714506, MONDO:0009571, OMIM 249000.
Joubert syndrome. Also called: Familial aplasia of the vermis; JOUBERT-BOLTSHAUSER SYNDROME. Identifiers: Orphanet 475, MedGen C5979921, MONDO:0018772.
Meckel-Gruber syndrome. Also called: GRUBER SYNDROME; DYSENCEPHALIA SPLANCHNOCYSTICA; Dysencephalia splachnocystica. Identifiers: Orphanet 564, MedGen C0265215, MONDO:0018921.
Inborn genetic diseases. Identifiers: MedGen C0950123, MeSH D030342.

Allele frequency attached by ClinVar (database versions not stated): ESP Exome Variant Server 0.00008; TOPMed 0.00019.
gnomAD v4.1: 71 of 1,613,952 alleles (0.0044%); highest among the groups gnomAD compares: African/African-American, 0.044%; no homozygotes.

Submissions (9):

Ambry Genetics
Classification: Uncertain significance for Inborn genetic diseases. Last evaluated: 2025-09-29. Review status: criteria provided, single submitter. Criteria: Ambry Variant Classification Scheme 2023. Collection method: clinical testing. Allele origin: germline.

Fulgent Genetics
Classification: Uncertain significance for Meckel syndrome, type 1; Bardet-Biedl syndrome 13; Joubert syndrome 28. Last evaluated: 2024-06-20. Review status: criteria provided, single submitter. Criteria: ACMG Guidelines, 2015. Collection method: clinical testing. Allele origin: germline.

Blueprint Genetics
Classification: Uncertain significance. Last evaluated: 2024-03-14. Review status: criteria provided, single submitter. Criteria: ACMG Guidelines, 2015. Collection method: clinical testing. Allele origin: germline.

Labcorp Genetics (formerly Invitae), Labcorp
Classification: Uncertain significance for Joubert syndrome; Meckel-Gruber syndrome. Last evaluated: 2022-08-21. Review status: criteria provided, single submitter. Criteria: Invitae Variant Classification Sherloc (09022015). Collection method: clinical testing. Allele origin: germline.
Comment: This sequence change replaces histidine, which is basic and polar, with asparagine, which is neutral and polar, at codon 271 of the MKS1 protein (p.His271Asn). This variant is present in population databases (rs201771125, gnomAD 0.03%). This variant has not been reported in the literature in individuals affected with MKS1-related conditions. ClinVar contains an entry for this variant (Variation ID: 218743). Advanced modeling of protein sequence and biophysical properties (such as structural, functional, and spatial information, amino acid conservation, physicochemical variation, residue mobility, and thermodynamic stability) performed at Invitae indicates that this missense variant is not expected to disrupt MKS1 protein function. In summary, the available evidence is currently insufficient to determine the role of this variant in disease. Therefore, it has been classified as a Variant of Uncertain Significance.

New York Genome Center
Classification: Uncertain significance for Bardet-Biedl syndrome 13; Joubert syndrome 28; Meckel syndrome, type 1. Last evaluated: 2022-02-09. Review status: criteria provided, single submitter. Criteria: NYGC Assertion Criteria 2020. Collection method: clinical testing. Allele origin: germline. Observed: 1 heterozygote.

Eurofins Ntd Llc (ga)
Classification: Uncertain significance. Last evaluated: 2015-10-20. Review status: criteria provided, single submitter. Criteria: EGL Classification Definitions 2015. Collection method: clinical testing. Allele origin: germline. Observed: 2 variant alleles, 2 heterozygotes.

Genomic Diagnostic Laboratory, Division of Genomic Diagnostics, Children's Hospital of Philadelphia
Classification: Uncertain significance. Last evaluated: 2014-12-31. Review status: criteria provided, single submitter. Criteria: DGD Variant Analysis Guidelines. Collection method: clinical testing. Allele origin: unknown.

PreventionGenetics, part of Exact Sciences
Classification: Uncertain significance for MKS1-related condition. Last evaluated: 2024-05-01. Review status: no assertion criteria provided. Collection method: clinical testing. Allele origin: germline. Not counted in ClinVar's aggregate classification.
Comment: The MKS1 c.811C>A variant is predicted to result in the amino acid substitution p.His271Asn. To our knowledge, this variant has not been reported in the literature. This variant is reported in 0.029% of alleles in individuals of African descent in gnomAD. At this time, the clinical significance of this variant is uncertain due to the absence of conclusive functional and genetic evidence.

Natera, Inc.
Classification: Uncertain significance for Meckel syndrome type 1. Last evaluated: 2020-02-12. Review status: no assertion criteria provided. Collection method: clinical testing. Allele origin: germline. Not counted in ClinVar's aggregate classification.

NM_017777.4(MKS1):c.811C>A (p.His271Asn)

Gene: MKS1 (MKS transition zone complex subunit 1; minus strand). Cytogenetic location: 17q22.
Variant type: single nucleotide variant.
Coding change: c.811C>A on transcript NM_017777.4 (MANE Select); coding-DNA position 811, C replaced by A.
Protein change: p.His271Asn; replaces histidine 271 with asparagine.
Molecular consequence: missense variant.
Genome position (GRCh38, 1-based): chr17:58,213,029, G>T on the plus strand (C>A on the coding strand, the complement: MKS1 is on the minus strand). VCF-style: chr17-58213029-G-T. GRCh37 (hg19) VCF-style: chr17-56290390-G-T.
Other names: c.202C>A, p.His68Asn (NM_001321268.2); c.811C>A, p.His271Asn (NM_001321269.2, NM_001330397.2); short protein forms H271N, H68N.
Identifiers: ClinVar variation 218743 (VCV000218743.16), dbSNP rs201771125, ClinGen allele CA249299.